The following is an entry in ClinVar:

NM_002473.6(MYH9):c.4345-11C>G

Gene: MYH9 (myosin heavy chain 9; minus strand). Cytogenetic location: 22q12.3.
Variant type: single nucleotide variant.
Coding change: c.4345-11C>G on transcript NM_002473.6 (MANE Select); 11 bases into the intron before coding-DNA position 4345, C replaced by G.
Molecular consequence: intron variant.
Genome position (GRCh38, 1-based): chr22:36,289,308, G>C on the plus strand (C>G on the coding strand, the complement: MYH9 is on the minus strand). VCF-style: chr22-36289308-G-C. GRCh37 (hg19) VCF-style: chr22-36685354-G-C.
Identifiers: ClinVar variation 341504 (VCV000341504.14), dbSNP rs376040199, ClinGen allele CA10209378.

ClinVar aggregate classification (germline): Conflicting classifications of pathogenicity. Review status: criteria provided, conflicting classifications (1 of 4 stars). 5 submissions from 4 submitters: Uncertain significance (1); Benign (2); Likely benign (2). Last evaluated 2025-10-11.

Conditions:
MYH9-related disorder. Identifiers: MedGen C1854520.
Autosomal dominant nonsyndromic hearing loss 17. Also called: Deafness, autosomal dominant 17; Autosomal dominant nonsyndromic deafness 17. Identifiers: Orphanet 90635, MedGen C1863659, MONDO:0011350, OMIM 603622.

Allele frequency attached by ClinVar (database versions not stated): gnomAD 0.00007 and 0.00008; TOPMed 0.00012; ESP Exome Variant Server 0.00015; gnomAD exomes 0.00021; ExAC 0.00022.
gnomAD v4.1: 147 of 1,602,760 alleles (0.0092%); highest among the groups gnomAD compares: Non-Finnish European, 0.00077%; no homozygotes.

Submissions (6):

Labcorp Genetics (formerly Invitae), Labcorp
Classification: Benign. Last evaluated: 2025-10-11. Review status: criteria provided, single submitter. Criteria: Invitae Variant Classification Sherloc (09022015). Collection method: clinical testing. Allele origin: germline.

Blueprint Genetics
Classification: Likely benign. Last evaluated: 2022-03-11. Review status: criteria provided, single submitter. Criteria: ACMG Guidelines, 2015. Collection method: clinical testing. Allele origin: germline.

GeneDx
Classification: Likely benign. Last evaluated: 2020-03-31. Review status: criteria provided, single submitter. Criteria: GeneDx Variant Classification Process June 2021. Collection method: clinical testing. Allele origin: germline. Affected: yes.

Illumina Laboratory Services, Illumina
Classification: Uncertain significance for Autosomal dominant nonsyndromic hearing loss 17. Last evaluated: 2018-01-12. Review status: criteria provided, single submitter. Criteria: ICSL Variant Classification Criteria 13 December 2019. Collection method: clinical testing. Allele origin: germline.

Illumina Laboratory Services, Illumina
Classification: Benign for MYH9-related disorder. Last evaluated: 2018-01-12. Review status: criteria provided, single submitter. Criteria: ICSL Variant Classification Criteria 13 December 2019. Collection method: clinical testing. Allele origin: germline.
Comment: This variant was observed in the ICSL laboratory as part of a predisposition screen in an ostensibly healthy population. It had not been previously curated by ICSL or reported in the Human Gene Mutation Database (HGMD: prior to June 1st, 2018), and was therefore a candidate for classification through an automated scoring system. Utilizing variant allele frequency, disease prevalence and penetrance estimates, and inheritance mode, an automated score was calculated to assess if this variant is too frequent to cause the disease. Based on the score and internal cut-off values, a variant classified as benign is not then subjected to further curation. The score for this variant resulted in a classification of benign for this disease.

Dr. Peter K. Rogan Lab, Western University
No classification provided (evidence only). Condition: Ovarian serous cystadenocarcinoma. Review status: no classification provided. Collection method: in vitro. Allele origin: not applicable. Functional consequence: retained intron. Not counted in ClinVar's aggregate classification.